The following is an entry in ClinVar:

NM_004656.4(BAP1):c.1809C>A (p.Val603=)

Gene: BAP1 (BRCA1 associated deubiquitinase 1; minus strand). Cytogenetic location: 3p21.1.
Variant type: single nucleotide variant.
Coding change: c.1809C>A on transcript NM_004656.4 (MANE Select); coding-DNA position 1809, C replaced by A.
Protein change: p.Val603=; no amino-acid change (valine 603 retained).
Molecular consequence: synonymous variant.
Genome position (GRCh38, 1-based): chr3:52,403,219, G>T on the plus strand (C>A on the coding strand, the complement: BAP1 is on the minus strand). VCF-style: chr3-52403219-G-T. GRCh37 (hg19) VCF-style: chr3-52437235-G-T.
Other names: c.1809C>A (NM_004656.2).
Identifiers: ClinVar variation 922358 (VCV000922358.11), dbSNP rs1338737207, ClinGen allele CA433885935.
Genomic context (GRCh38, chr3:52,403,219, plus strand): 5'-ACTCAAGGGCTCGCCAGGCCTCACCATCCCCGTCTTCTCTCTGCTGTCCGTGGCTTCCAC[G>T]ACCTCCTTCTCCACTGGGCTGCTGGACCCCTGGCTGCCTTGGATTGGTCTGATGGAGGGC-3'
Protein context (NP_004647.1, residues 593-613): QGSSSPVEKE[Val603=]VEATDSREKT

ClinVar aggregate classification (germline): Benign/Likely benign. Review status: criteria provided, multiple submitters, no conflicts (2 of 4 stars). 4 submissions from 4 submitters: Benign (1); Likely benign (3). Last evaluated 2025-05-21.

Conditions:
Hereditary cancer-predisposing syndrome. Also called: Neoplastic Syndromes, Hereditary; Tumor predisposition; Hereditary Cancer Syndrome; Hereditary neoplastic syndrome. Identifiers: Orphanet 140162, MedGen C0027672, MeSH D009386, MONDO:0015356.
BAP1-related tumor predisposition syndrome (TPDS1). Also called: Tumor susceptibility linked to germline BAP1 mutations; COMMON Syndrome; TUMOR PREDISPOSITION SYNDROME 1; BAP1 tumor predisposition syndrome. Identifiers: Orphanet 289539, MedGen C3280492, MONDO:0013692, OMIM 614327.

gnomAD v4.1: 1 of 1,614,126 alleles (0.000062%); highest among the groups gnomAD compares: East Asian, 0.0022%; no homozygotes.

Submissions (4):

Labcorp Genetics (formerly Invitae), Labcorp
Classification: Likely benign for BAP1-related tumor predisposition syndrome. Last evaluated: 2025-05-21. Review status: criteria provided, single submitter. Criteria: Invitae Variant Classification Sherloc (09022015). Collection method: clinical testing. Allele origin: germline.

Ambry Genetics
Classification: Likely benign for Hereditary cancer-predisposing syndrome. Last evaluated: 2025-04-28. Review status: criteria provided, single submitter. Criteria: Ambry Variant Classification Scheme 2023. Collection method: clinical testing. Allele origin: germline.

Myriad Genetics, Inc.
Classification: Benign for BAP1-related tumor predisposition syndrome. Last evaluated: 2024-07-17. Review status: criteria provided, single submitter. Criteria: Myriad Autosomal Dominant, Autosomal Recessive and X-Linked Classification Criteria (2023). Collection method: clinical testing. Allele origin: unknown.
Comment: This variant is considered benign. This variant is a silent/synonymous amino acid change and it is not expected to impact splicing.

Color Diagnostics, LLC DBA Color Health
Classification: Likely benign for Hereditary cancer-predisposing syndrome. Last evaluated: 2019-05-17. Review status: criteria provided, single submitter. Criteria: ACMG Guidelines, 2015. Collection method: clinical testing. Allele origin: germline.